The following is an entry in ClinVar:

NM_016284.5(CNOT1):c.6781G>A (p.Glu2261Lys)

Gene: CNOT1 (CCR4-NOT transcription complex subunit 1; minus strand). Cytogenetic location: 16q21.
Variant type: single nucleotide variant.
Coding change: c.6781G>A on transcript NM_016284.5 (MANE Select); coding-DNA position 6781, G replaced by A.
Protein change: p.Glu2261Lys; replaces glutamic acid 2261 with lysine.
Molecular consequence: missense variant. On other transcripts: non-coding transcript variant (1).
Genome position (GRCh38, 1-based): chr16:58,525,182, C>T on the plus strand (G>A on the coding strand, the complement: CNOT1 is on the minus strand). VCF-style: chr16-58525182-C-T. GRCh37 (hg19) VCF-style: chr16-58559086-C-T.
Other names: c.6766G>A (NM_001265612.1); c.6766G>A, p.Glu2256Lys (NM_001265612.2); short protein forms E2261K, E2256K.
Identifiers: ClinVar variation 2001866 (VCV002001866.5), dbSNP rs2543811405, ClinGen allele CA396160775.
Genomic context (GRCh38, chr16:58,525,182, plus strand): 5'-AGATTGTAGCAAAAAGCACAGAGAACTCTACTCTGAAAACTGGCAGGCTTCACTCACCCT[C>T]AGTGTCCAAGTCCACAGCCAAATTCTGGAAGATATCCATGTGTGCTGAGTGAGTGATGGT-3'
Protein context (NP_057368.3, residues 2251-2271): FQNLAVDLDT[Glu2261Lys]GRYLFLNAIA

ClinVar aggregate classification (germline): Uncertain significance. Review status: criteria provided, multiple submitters, no conflicts (2 of 4 stars). 2 submissions from 2 submitters: Uncertain significance (2). Last evaluated 2023-05-22.

Submissions (2):

GeneDx
Classification: Uncertain significance. Last evaluated: 2023-05-22. Review status: criteria provided, single submitter. Criteria: GeneDx Variant Classification Process June 2021. Collection method: clinical testing. Allele origin: germline. Affected: yes.
Comment: Not observed at significant frequency in large population cohorts (gnomAD); In silico analysis supports that this missense variant has a deleterious effect on protein structure/function; Has not been previously published as pathogenic or benign to our knowledge

Labcorp Genetics (formerly Invitae), Labcorp
Classification: Uncertain significance. Last evaluated: 2022-06-02. Review status: criteria provided, single submitter. Criteria: Invitae Variant Classification Sherloc (09022015). Collection method: clinical testing. Allele origin: germline.
Comment: This sequence change replaces glutamic acid, which is acidic and polar, with lysine, which is basic and polar, at codon 2256 of the CNOT1 protein (p.Glu2256Lys). This variant is not present in population databases (gnomAD no frequency). This variant has not been reported in the literature in individuals affected with CNOT1-related conditions. Algorithms developed to predict the effect of missense changes on protein structure and function are either unavailable or do not agree on the potential impact of this missense change (SIFT: "Deleterious"; PolyPhen-2: "Probably Damaging"; Align-GVGD: "Class C0"). In summary, the available evidence is currently insufficient to determine the role of this variant in disease. Therefore, it has been classified as a Variant of Uncertain Significance.